The following is an entry in ClinVar:

ClinVar aggregate classification (germline): Likely benign. Review status: criteria provided, multiple submitters, no conflicts (2 of 4 stars). 2 submissions from 2 submitters: Likely benign (2). Last evaluated 2025-05-21.

Conditions:
Glycogen storage disease due to muscle and heart glycogen synthase deficiency. Also called: MUSCLE GLYCOGEN SYNTHASE DEFICIENCY; GSD 0b. Identifiers: Orphanet 137625, MedGen C1969054, MONDO:0012693, OMIM 611556.

Allele frequency attached by ClinVar (database versions not stated): TOPMed 0.00008; gnomAD exomes 0.00010; 1000 Genomes Project 0.00040; 1000 Genomes Project 30x 0.00047.
gnomAD v4.1: 102 of 1,613,304 alleles (0.0063%); highest among the groups gnomAD compares: East Asian, 0.047%; no homozygotes.

Submissions (2):

Labcorp Genetics (formerly Invitae), Labcorp
Classification: Likely benign for Glycogen storage disease due to muscle and heart glycogen synthase deficiency. Last evaluated: 2025-05-21. Review status: criteria provided, single submitter. Criteria: Invitae Variant Classification Sherloc (09022015). Collection method: clinical testing. Allele origin: germline.

GeneDx
Classification: Likely benign. Last evaluated: 2016-06-08. Review status: criteria provided, single submitter. Criteria: GeneDx Variant Classification (06012015). Collection method: clinical testing. Allele origin: germline. Affected: yes.
Comment: This variant is considered likely benign or benign based on one or more of the following criteria: it is a conservative change, it occurs at a poorly conserved position in the protein, it is predicted to be benign by multiple in silico algorithms, and/or has population frequency not consistent with disease.

NM_002103.5(GYS1):c.942-20G>A

Gene: GYS1 (glycogen synthase 1; minus strand). Cytogenetic location: 19q13.33.
Variant type: single nucleotide variant.
Coding change: c.942-20G>A on transcript NM_002103.5 (MANE Select); 20 bases into the intron before coding-DNA position 942, G replaced by A.
Molecular consequence: intron variant.
Genome position (GRCh38, 1-based): chr19:48,982,395, C>T on the plus strand (G>A on the coding strand, the complement: GYS1 is on the minus strand). VCF-style: chr19-48982395-C-T. GRCh37 (hg19) VCF-style: chr19-49485652-C-T.
Other names: c.750-20G>A (NM_001161587.2).
Identifiers: ClinVar variation 386618 (VCV000386618.9), dbSNP rs368204451, ClinGen allele CA9563152.
Genomic context (GRCh38, chr19:48,982,395, plus strand): 5'-TAAAGAAGTATAAGGTCTTGTCCAAGTTGAAGTCCAGATGCCTAAAGAACCCACAAGGCA[C>T]GGTAAAGCCCAAAGCCCTCACCCGCTAGCCCTGGCCTCAAAACTACAAATCCCAGAAGCT-3'